The following is an entry in ClinVar:

ClinVar aggregate classification (germline): Benign. Review status: criteria provided, multiple submitters, no conflicts (2 of 4 stars). 14 submissions from 13 submitters: Benign (11). 3 of the submissions do not count toward it. Last evaluated 2026-02-02.

Conditions:
Hereditary cancer-predisposing syndrome. Also called: Tumor predisposition; Hereditary neoplastic syndrome; Neoplastic Syndromes, Hereditary; Hereditary Cancer Syndrome. Identifiers: Orphanet 140162, MedGen C0027672, MeSH D009386, MONDO:0015356.
Basal cell carcinoma, susceptibility to, 1. Also called: BCC1. Identifiers: MedGen C2751544, MONDO:0011556, OMIM 605462.
Gorlin syndrome. Also called: Nevoid Basal Cell Carcinoma Syndrome; Basal cell nevus syndrome. Identifiers: Orphanet 377, MedGen C0004779, MONDO:0007187.
Holoprosencephaly 7 (HPE7). Identifiers: Orphanet 2162, MedGen C1835820, MONDO:0012562, OMIM 610828.

Allele frequency attached by ClinVar (database versions not stated): gnomAD exomes 0.00149; ExAC 0.00371; 1000 Genomes Project 0.00419; 1000 Genomes Project 30x 0.00468; ESP Exome Variant Server 0.00615; gnomAD 0.00616 and 0.00663; TOPMed 0.00622.
gnomAD v4.1: 1,769 of 1,552,730 alleles (0.11%); highest among the groups gnomAD compares: African/African-American, 2.1%; 14 homozygotes.

Submissions (14):

Labcorp Genetics (formerly Invitae), Labcorp
Classification: Benign for Gorlin syndrome. Last evaluated: 2026-02-02. Review status: criteria provided, single submitter. Criteria: Invitae Variant Classification Sherloc (09022015). Collection method: clinical testing. Allele origin: germline.

Quest Diagnostics Nichols Institute San Juan Capistrano
Classification: Benign. Last evaluated: 2025-07-16. Review status: criteria provided, single submitter. Criteria: Quest Diagnostics criteria. Collection method: clinical testing. Allele origin: unknown.

Women's Health and Genetics/Laboratory Corporation of America, LabCorp
Classification: Benign. Last evaluated: 2025-04-10. Review status: criteria provided, single submitter. Criteria: LabCorp Variant Classification Summary - May 2015. Collection method: clinical testing. Allele origin: germline.

KCCC/NGS Laboratory, Kuwait Cancer Control Center
Classification: Benign for Basal cell nevus syndrome 1. Last evaluated: 2023-07-07. Review status: criteria provided, single submitter. Criteria: ACMG Guidelines, 2015. Collection method: clinical testing. Allele origin: germline. Affected: yes.

Fulgent Genetics
Classification: Benign for Basal cell nevus syndrome 1; Basal cell carcinoma, susceptibility to, 1; Holoprosencephaly 7. Last evaluated: 2022-05-27. Review status: criteria provided, single submitter. Criteria: ACMG Guidelines, 2015. Collection method: clinical testing. Allele origin: unknown.

Illumina Laboratory Services, Illumina
Classification: Benign for Holoprosencephaly 7. Last evaluated: 2018-01-12. Review status: criteria provided, single submitter. Criteria: ICSL Variant Classification Criteria 13 December 2019. Collection method: clinical testing. Allele origin: germline.
Comment: This variant was observed in the ICSL laboratory as part of a predisposition screen in an ostensibly healthy population. It had not been previously curated by ICSL or reported in the Human Gene Mutation Database (HGMD: prior to June 1st, 2018), and was therefore a candidate for classification through an automated scoring system. Utilizing variant allele frequency, disease prevalence and penetrance estimates, and inheritance mode, an automated score was calculated to assess if this variant is too frequent to cause the disease. Based on the score and internal cut-off values, a variant classified as benign is not then subjected to further curation. The score for this variant resulted in a classification of benign for this disease.

Illumina Laboratory Services, Illumina
Classification: Benign for Basal cell nevus syndrome 1. Last evaluated: 2018-01-12. Review status: criteria provided, single submitter. Criteria: ICSL Variant Classification Criteria 13 December 2019. Collection method: clinical testing. Allele origin: germline.
Comment: the same text as in the submission from Illumina Laboratory Services, Illumina above.

Ambry Genetics
Classification: Benign for Hereditary cancer-predisposing syndrome. Last evaluated: 2017-02-10. Review status: criteria provided, single submitter. Criteria: Ambry Variant Classification Scheme 2023. Collection method: clinical testing. Allele origin: germline.

GeneDx
Classification: Benign. Last evaluated: 2015-03-03. Review status: criteria provided, single submitter. Criteria: GeneDx Variant Classification Process June 2021. Collection method: clinical testing. Allele origin: germline. Affected: yes.

Breakthrough Genomics
Classification: Benign. Review status: criteria provided, single submitter. Criteria: ACMG Guidelines, 2015. Collection method: not provided. Allele origin: germline. Inheritance: Autosomal dominant inheritance. Affected: yes.

PreventionGenetics, part of Exact Sciences
Classification: Benign. Review status: criteria provided, single submitter. Criteria: ACMG Guidelines, 2015. Collection method: clinical testing. Allele origin: germline.

Genetic Services Laboratory, University of Chicago
Classification: Benign. Last evaluated: 2022-10-02. Review status: no assertion criteria provided. Collection method: clinical testing. Allele origin: germline. Affected: no. Not counted in ClinVar's aggregate classification.

Clinical Genetics DNA and cytogenetics Diagnostics Lab, Erasmus MC, Erasmus Medical Center
Classification: Benign. Review status: no assertion criteria provided. Collection method: clinical testing. Allele origin: germline. Affected: yes. Study: VKGL Data-share Consensus. Not counted in ClinVar's aggregate classification.

Genome Diagnostics Laboratory, Amsterdam University Medical Center
Classification: Benign. Review status: no assertion criteria provided. Collection method: clinical testing. Allele origin: germline. Affected: yes. Study: VKGL Data-share Consensus. Not counted in ClinVar's aggregate classification.

Literature cited by the submitters: PubMed 29449315 (cited by Quest Diagnostics Nichols Institute San Juan Capistrano); PubMed 36315513 (cited by Quest Diagnostics Nichols Institute San Juan Capistrano).

NM_000264.5(PTCH1):c.3567C>T (p.Gly1189=)

Gene: PTCH1 (patched 1; minus strand). Cytogenetic location: 9q22.32.
Variant type: single nucleotide variant.
Coding change: c.3567C>T on transcript NM_000264.5 (MANE Select); coding-DNA position 3567, C replaced by T.
Protein change: p.Gly1189=; no amino-acid change (glycine 1189 retained).
Molecular consequence: synonymous variant. On other transcripts: non-coding transcript variant (1).
Genome position (GRCh38, 1-based): chr9:95,449,306, G>A on the plus strand (C>T on the coding strand, the complement: PTCH1 is on the minus strand). VCF-style: chr9-95449306-G-A. GRCh37 (hg19) VCF-style: chr9-98211588-G-A.
Other names: c.3369C>T, p.Gly1123= (NM_001083602.3); c.3564C>T, p.Gly1188= (NM_001083603.3); c.3114C>T, p.Gly1038= (NM_001083604.3, NM_001083605.3, NM_001083606.3 and 1 more transcripts); c.3411C>T, p.Gly1137= (NM_001354918.2).
Identifiers: ClinVar variation 220553 (VCV000220553.31), dbSNP rs62637630, ClinGen allele CA348587.